The following continues an entry in ClinVar:

NM_007294.4(BRCA1):c.314A>G (p.Tyr105Cys)

Gene: BRCA1. ClinVar aggregate classification (germline): Benign. Benign (1).

Submissions 19 to 27 of 27:

BRCAlab, Lund University
Classification: Benign for Breast-ovarian cancer, familial, susceptibility to, 1. Last evaluated: 2020-03-02. Review status: no assertion criteria provided. Collection method: clinical testing. Allele origin: germline. Affected: yes. Not counted in ClinVar's aggregate classification.

Counsyl
Classification: Likely benign for Breast-ovarian cancer, familial 1. Last evaluated: 2014-08-19. Review status: no assertion criteria provided. Collection method: literature only. Allele origin: unknown. Inheritance: Autosomal dominant inheritance. Not counted in ClinVar's aggregate classification.

CSER _CC_NCGL, University of Washington
Classification: Likely benign for Breast cancer. Last evaluated: 2014-06-01. Review status: no assertion criteria provided. Collection method: research. Allele origin: germline. Inheritance: Autosomal dominant inheritance. Study: ESP 6500 variant annotation. Not counted in ClinVar's aggregate classification.
Comment: Variants classified for the Actionable exomic incidental findings in 6503 participants: challenges of variant classification manuscript

Breast Cancer Information Core (BIC) (BRCA1)
Classification: Benign for Breast-ovarian cancer, familial 1. Last evaluated: 2002-05-29. Review status: no assertion criteria provided. Collection method: clinical testing. Allele origin: germline. Affected: yes. Observed: 18 variant alleles. Not counted in ClinVar's aggregate classification.

Clinical Genetics DNA and cytogenetics Diagnostics Lab, Erasmus MC, Erasmus Medical Center
Classification: Benign. Review status: no assertion criteria provided. Collection method: clinical testing. Allele origin: germline. Affected: yes. Study: VKGL Data-share Consensus. Not counted in ClinVar's aggregate classification.

Clinical Genetics Laboratory, Department of Pathology, Netherlands Cancer Institute
Classification: Benign. Review status: no assertion criteria provided. Collection method: clinical testing. Allele origin: germline. Affected: yes. Study: VKGL Data-share Consensus. Not counted in ClinVar's aggregate classification.

Department of Pathology and Laboratory Medicine, Sinai Health System
Classification: Likely benign for Endometrial carcinoma. Review status: no assertion criteria provided. Collection method: clinical testing. Allele origin: unknown. Affected: yes. Study: The Canadian Open Genetics Repository (COGR). Not counted in ClinVar's aggregate classification.
Comment: The BRCA1 p.Tyr105Cys variant was identified in 4 of 6744 proband chromosomes (frequency: 0.0006) from American, Spanish, Moroccan and Portuguese individuals or families with breast and breast/ovarian cancer (Borg_2010_20104584, Diez_2003_12955716, Laraqui_2013_23289006, Peixoto_2015_24916970). A hierarchcal statistical model of the data in the case control study (Borg_2010_20104584), found the variant to be neutral (Capanu_2011_21520273). A cDNA-based functional assay looking at the variantâ€šÃ„Ã´s ability to functionally complement BRCA1-deficient mouse embryonic stem cells found the variant to be neutral, showing protein levels and cisplatin response comparable to wildtype (Bouwman_2013_23867111). In another functional assay looking at homology directed repair and single-strand annealing, the variant showed an intermediate phenotype, neither fully active nor fully defective, thereby classifying it as uncertain significance (Towler_2013_23161852). Using a method combining the bioinformatics tool A-GVGD, which assesses variation present at a missense position against multiple sequence alignments, and any co-occurrences with the variant, the variant was classified as uncertain significance (Tavtigian_2006_16014699). Two bioinformatics models that calculate posterior probability and likelihood ratio of pathogenicity, both integrating multiple forms of genetic evidence, found the variant to be not pathogenic or neutral (Lindor_2012_21990134, Easton_2007_17924331). The variant was also identified in dbSNP (ID: rs28897673) â€šÃ„ÃºWith Likely benign alleleâ€šÃ„Ã¹, ClinVar (benign, reviewed by an expert panel (2015); submitters: benign by ENIGMA, Michigan Medical Genetics Laboratories (University of Michigan), Ambry Genetics, Invitae, GeneDx, and BIC, and likely benign by Counsyl and CSER_CC_NCGL(University of Washington)), Clinvitae (5x), COGR (by 3 clinical labs classified as benign/likely benign and uncertain significance), LOVD 3.0, UMD-LSDB (22x as 1-neutral, co-occurring with a BRCA1 pathogenic variant (c.IVS6+1G>T/c.516+1G>T)), BIC Database (18x with no clinical importance, classification pending), ARUP Laboratories (not pathogenic, or of no clinical importance), and was not identified in Cosmic, MutDB, or Zhejiang Colon Cancer Database. The variant also co-occurred in trans with known pathogenic BRCA1 variants (623del5 and 5385insC) (Judkins_2005_16267036). The variant was identified in control databases in 19 of 245822 chromosomes at a frequency of 0.00008 (Genome Aggregation Database Feb 27, 2017). Observation by population included: â€šÃ„ÃºOtherâ€šÃ„Ã¹ in 2 of 5482 chromosomes (freq: 0.0004), Latino in 3 of 33552 chromosomes (freq: 0.00009), European Non-Finnish in 14 of 111554 chromosomes (freq: 0.0001); it was not observed in the African, Ashkenazi Jewish, East Asian, European Finnish, and South Asian populations. The p.Tyr105 residue is not conserved in mammals and four out of five computational analyses (PolyPhen-2, SIFT, AlignGVGD, BLOSUM, MutationTaster) do not suggest a high likelihood the Cys variant impacts the protein; however, this information is not predictive enough to rule out pathogenicity. The variant occurs outside of the splicing consensus sequence and 1 of 5 in silico or computational prediction software programs (SpliceSiteFinder, MaxEntScan, NNSPLICE, GeneSplicer, HumanSpliceFinder) predict a greater than 10% difference in splicing; this is not very predictive of pathogenicity. In summary, based on the above information the clinical significance of this variant cannot be determined with certainty at this time although we would lean towards a more benign role for this variant. This variant is classified as likely benign.

Genome Diagnostics Laboratory, University Medical Center Utrecht
Classification: Benign. Review status: no assertion criteria provided. Collection method: clinical testing. Allele origin: germline. Affected: yes. Study: VKGL Data-share Consensus. Not counted in ClinVar's aggregate classification.

Joint Genome Diagnostic Labs from Nijmegen and Maastricht, Radboudumc and MUMC+
Classification: Benign. Review status: no assertion criteria provided. Collection method: clinical testing. Allele origin: germline. Affected: yes. Study: VKGL Data-share Consensus. Not counted in ClinVar's aggregate classification.

Literature cited by the submitters: PubMed 21990134 (cited by 3 submitters); PubMed 23867111 (cited by Illumina Laboratory Services, Illumina and Counsyl); PubMed 21702907 (cited by Illumina Laboratory Services, Illumina and Counsyl); PubMed 16014699 (cited by Illumina Laboratory Services, Illumina and Counsyl); PubMed 21520273 (cited by Illumina Laboratory Services, Illumina and Counsyl); PubMed 25637381 (cited by Illumina Laboratory Services, Illumina); PubMed 17924331 (cited by Illumina Laboratory Services, Illumina and Counsyl); PubMed 23161852 (cited by Illumina Laboratory Services, Illumina and Counsyl); PubMed 7581445 (cited by Illumina Laboratory Services, Illumina); PubMed 12955716 (cited by Counsyl); PubMed 18936166 (cited by Counsyl); PubMed 20104584 (cited by Counsyl); PubMed 16267036 (cited by Counsyl).